The following is an entry in ClinVar:

NM_000237.3(LPL):c.386A>C (p.Lys129Thr)

Gene: LPL (lipoprotein lipase; plus strand). Cytogenetic location: 8p21.3.
Variant type: single nucleotide variant.
Coding change: c.386A>C on transcript NM_000237.3 (MANE Select); coding-DNA position 386, A replaced by C.
Protein change: p.Lys129Thr; replaces lysine 129 with threonine.
Molecular consequence: missense variant.
Genome position (GRCh38, 1-based): chr8:19,951,905, A>C. VCF-style: chr8-19951905-A-C. GRCh37 (hg19) VCF-style: chr8-19809416-A-C.
Other names: short protein forms K129T.
Identifiers: ClinVar variation 1735664 (VCV001735664.4), dbSNP rs140903633, ClinGen allele CA4655397.

ClinVar aggregate classification (germline): Uncertain significance. Review status: criteria provided, multiple submitters, no conflicts (2 of 4 stars). 2 submissions from 2 submitters: Uncertain significance (2). Last evaluated 2022-03-14.

Conditions:
Hyperlipidemia, familial combined, LPL related (FCHL3). Also called: Hyperapobetalipoproteinemia. Identifiers: MedGen C0020474, MONDO:0007759, OMIM 144250, HP:0008158.
Hyperlipoproteinemia, type I. Also called: Familial hyperlipo-proteinemia type 1; Hyperlipemia essential familial; HYPERLIPOPROTEINEMIA, TYPE IA; LPL DEFICIENCY; Hyperlipoproteinemia type 1; Hyperchylomicro-nemia familial. Identifiers: Orphanet 309015, Orphanet 444490, MedGen C0023817, MONDO:0009387, OMIM 238600. Disease mechanism: loss of function.
Cardiovascular phenotype. Identifiers: MedGen CN230736.

Allele frequency attached by ClinVar (database versions not stated): gnomAD exomes below 0.00001; ExAC 0.00002; gnomAD 0.00003; TOPMed 0.00004.
gnomAD v4.1: 6 of 1,614,038 alleles (0.00037%); highest among the groups gnomAD compares: African/African-American, 0.008%; no homozygotes.

Submissions (2):

New York Genome Center
Classification: Uncertain significance for Hyperlipidemia, familial combined, LPL related; Hyperlipoproteinemia, type I. Last evaluated: 2022-03-14. Review status: criteria provided, single submitter. Criteria: NYGC Assertion Criteria 2020. Collection method: clinical testing. Allele origin: germline. Observed: 1 heterozygote.
Comment: The c.386A>C (p. Lys129Thr) missense variant in the LPL gene identified in exon 3 (of 10) has not been reported in affected individuals in the literature. The variant has 0.00003286 allele frequency in the gnomAD (v3.1.2) databases (5 out of 152146 heterozygous alleles, no homozygotes), suggesting it is not a common benign variant in the populations represented in this database. This variant affects a conserved residue (Lys129) located in the N-terminal hydrolase domain (PMID: 33277156) of LPL protein. This variant is predicted deleterious by multiple in silico prediction tools (CADD score=23.5 and REVEL score=0.661). Based on the available evidence, the heterozygous c.386A>C (p.Lys129Thr) missense variant identified in the LPL gene is reported as a Variant of Uncertain Significance.

Ambry Genetics
Classification: Uncertain significance for Cardiovascular phenotype. Last evaluated: 2021-06-12. Review status: criteria provided, single submitter. Criteria: Ambry Variant Classification Scheme 2023. Collection method: clinical testing. Allele origin: germline.
Comment: The p.K129T variant (also known as c.386A>C), located in coding exon 3 of the LPL gene, results from an A to C substitution at nucleotide position 386. The lysine at codon 129 is replaced by threonine, an amino acid with similar properties. This amino acid position is conserved. In addition, the in silico prediction for this alteration is inconclusive. Since supporting evidence is limited at this time, the clinical significance of this alteration remains unclear.